The following is an entry in ClinVar:

ClinVar aggregate classification (germline): Likely benign. Review status: criteria provided, multiple submitters, no conflicts (2 of 4 stars). 2 submissions from 2 submitters: Likely benign (2). Last evaluated 2025-04-07.

Allele frequency attached by ClinVar (database versions not stated): gnomAD exomes 0.00001; ESP Exome Variant Server 0.00009.
gnomAD v4.1: 11 of 1,211,740 alleles (0.00091%); highest among the groups gnomAD compares: African/African-American, 0.0017%; no homozygotes.

Submissions (2):

Labcorp Genetics (formerly Invitae), Labcorp
Classification: Likely benign. Last evaluated: 2025-04-07. Review status: criteria provided, single submitter. Criteria: Invitae Variant Classification Sherloc (09022015). Collection method: clinical testing. Allele origin: germline.

CeGaT Center for Human Genetics Tuebingen
Classification: Likely benign. Last evaluated: 2022-07-01. Review status: criteria provided, single submitter. Criteria: CeGaT Center For Human Genetics Tuebingen Variant Classification Criteria Version 2. Collection method: clinical testing. Allele origin: germline. Affected: yes. Observed: 1 variant allele.
Comment: ATP6AP1: BP4, BP7

NM_001183.6(ATP6AP1):c.609C>T (p.Ile203=)

Gene: ATP6AP1 (ATPase H+ transporting accessory protein 1; plus strand). Cytogenetic location: Xq28.
Variant type: single nucleotide variant.
Coding change: c.609C>T on transcript NM_001183.6 (MANE Select); coding-DNA position 609, C replaced by T.
Protein change: p.Ile203=; no amino-acid change (isoleucine 203 retained).
Molecular consequence: synonymous variant.
Genome position (GRCh38, 1-based): chrX:154,433,645, C>T. VCF-style: chrX-154433645-C-T. GRCh37 (hg19) VCF-style: chrX-153661991-C-T.
Identifiers: ClinVar variation 1929890 (VCV001929890.29), dbSNP rs146695597, ClinGen allele CA10562671.